The following is an entry in ClinVar:

NM_031935.3(HMCN1):c.4201-9C>A

Gene: HMCN1 (hemicentin 1; plus strand). Cytogenetic location: 1q31.1.
Variant type: single nucleotide variant.
Coding change: c.4201-9C>A on transcript NM_031935.3 (MANE Select); 9 bases into the intron before coding-DNA position 4201, C replaced by A.
Molecular consequence: intron variant.
Genome position (GRCh38, 1-based): chr1:186,001,585, C>A. VCF-style: chr1-186001585-C-A. GRCh37 (hg19) VCF-style: chr1-185970717-C-A.
Identifiers: ClinVar variation 1390800 (VCV001390800.6), dbSNP rs748273446, ClinGen allele CA2573131337.

ClinVar aggregate classification (germline): Uncertain significance (1 of 4 stars; one submission).

gnomAD v4.1: 4 of 1,612,740 alleles (0.00025%); highest among the groups gnomAD compares: Non-Finnish European, 0.00034%; no homozygotes.

Submission:

Labcorp Genetics (formerly Invitae), Labcorp
Classification: Uncertain significance. Last evaluated: 2022-11-01. Review status: criteria provided, single submitter. Criteria: Invitae Variant Classification Sherloc (09022015). Collection method: clinical testing. Allele origin: germline.
Comment: This sequence change falls in intron 27 of the HMCN1 gene. It does not directly change the encoded amino acid sequence of the HMCN1 protein. This variant is not present in population databases (gnomAD no frequency). This variant has not been reported in the literature in individuals affected with HMCN1-related conditions. ClinVar contains an entry for this variant (Variation ID: 1390800). Algorithms developed to predict the effect of sequence changes on RNA splicing suggest that this variant may create or strengthen a splice site. In summary, the available evidence is currently insufficient to determine the role of this variant in disease. Therefore, it has been classified as a Variant of Uncertain Significance.